The following is an entry in ClinVar:

NM_006231.4(POLE):c.6678G>T (p.Gly2226=)

Gene: POLE (DNA polymerase epsilon, catalytic subunit; minus strand). Cytogenetic location: 12q24.33.
Variant type: single nucleotide variant.
Coding change: c.6678G>T on transcript NM_006231.4 (MANE Select); coding-DNA position 6678, G replaced by T.
Protein change: p.Gly2226=; no amino-acid change (glycine 2226 retained).
Molecular consequence: synonymous variant.
Genome position (GRCh38, 1-based): chr12:132,624,974, C>A on the plus strand (G>T on the coding strand, the complement: POLE is on the minus strand). VCF-style: chr12-132624974-C-A. GRCh37 (hg19) VCF-style: chr12-133201560-C-A.
Identifiers: ClinVar variation 3388634 (VCV003388634.14).

ClinVar aggregate classification (germline): Likely benign (1 of 4 stars; one submission).

Submission:

CeGaT Center for Human Genetics Tuebingen
Classification: Likely benign. Last evaluated: 2024-11-01. Review status: criteria provided, single submitter. Criteria: CeGaT Center For Human Genetics Tuebingen Variant Classification Criteria Version 2. Collection method: clinical testing. Allele origin: germline. Affected: yes. Observed: 1 variant allele.
Comment: POLE: PM2:Supporting, BP4, BP7